The following is an entry in ClinVar:

NM_001127208.3(TET2):c.2978T>C (p.Met993Thr)

Genes: TET2 (tet methylcytosine dioxygenase 2; plus strand), TET2-AS1 (TET2 antisense RNA 1; minus strand). Cytogenetic location: 4q24.
Variant type: single nucleotide variant.
Coding change: c.2978T>C on transcript NM_001127208.3 (MANE Select); coding-DNA position 2978, T replaced by C.
Protein change: p.Met993Thr; replaces methionine 993 with threonine.
Molecular consequence: missense variant.
Genome position (GRCh38, 1-based): chr4:105,236,920, T>C. VCF-style: chr4-105236920-T-C. GRCh37 (hg19) VCF-style: chr4-106158077-T-C.
Other names: c.2978T>C, p.Met993Thr (NM_017628.4); short protein forms M993T.
Identifiers: ClinVar variation 3806107 (VCV003806107.1).
Genomic context (GRCh38, chr4:105,236,920, plus strand): 5'-GCCATAGTCAGATGCACAGGCCAATTAAGGTGGAACCTGGATGCAAGCCACATGCCTGTA[T>C]GCACACAGCACCACCAGAAAACAAAACATGGAAAAAGGTAACTAAGCAAGAGAATCCACC-3'
Protein context (NP_001120680.1, residues 983-1003): VEPGCKPHAC[Met993Thr]HTAPPENKTW

ClinVar aggregate classification (germline): Uncertain significance (1 of 4 stars; one submission).

Submission:

Ambry Genetics
Classification: Uncertain significance. Last evaluated: 2025-03-05. Review status: criteria provided, single submitter. Criteria: Ambry Variant Classification Scheme 2023. Collection method: clinical testing. Allele origin: germline.
Comment: The p.M993T variant (also known as c.2978T>C), located in coding exon 1 of the TET2 gene, results from a T to C substitution at nucleotide position 2978. The methionine at codon 993 is replaced by threonine, an amino acid with similar properties. This amino acid position is conserved. In addition, this alteration is predicted to be tolerated by in silico analysis. Based on the available evidence, the clinical significance of this variant remains unclear.